The following is an entry in ClinVar:

ClinVar aggregate classification (germline): Uncertain significance. Review status: criteria provided, multiple submitters, no conflicts (2 of 4 stars). 4 submissions from 4 submitters: Uncertain significance (4). Last evaluated 2024-10-22.

Conditions:
Inborn genetic diseases. Identifiers: MedGen C0950123, MeSH D030342.
Combined immunodeficiency due to ZAP70 deficiency (IMD48). Also called: Immunodeficiency 48; ZAP70 Deficiency. Identifiers: Orphanet 911, MedGen C2931299, MONDO:0010023, OMIM 269840.

Allele frequency attached by ClinVar (database versions not stated): ExAC 0.00003; gnomAD 0.00003; gnomAD exomes 0.00005; ESP Exome Variant Server 0.00008; TOPMed 0.00004.
gnomAD v4.1: 128 of 1,613,992 alleles (0.0079%); highest among the groups gnomAD compares: African/African-American, 0.011%; no homozygotes.

Submissions (4):

Labcorp Genetics (formerly Invitae), Labcorp
Classification: Uncertain significance for Combined immunodeficiency due to ZAP70 deficiency. Last evaluated: 2024-10-22. Review status: criteria provided, single submitter. Criteria: Invitae Variant Classification Sherloc (09022015). Collection method: clinical testing. Allele origin: germline.
Comment: This sequence change replaces threonine, which is neutral and polar, with methionine, which is neutral and non-polar, at codon 207 of the ZAP70 protein (p.Thr207Met). This variant is present in population databases (rs141564129, gnomAD 0.01%). This variant has not been reported in the literature in individuals affected with ZAP70-related conditions. ClinVar contains an entry for this variant (Variation ID: 546868). An algorithm developed to predict the effect of missense changes on protein structure and function (PolyPhen-2) suggests that this variant is likely to be disruptive. In summary, the available evidence is currently insufficient to determine the role of this variant in disease. Therefore, it has been classified as a Variant of Uncertain Significance.

Ambry Genetics
Classification: Uncertain significance for Inborn genetic diseases. Last evaluated: 2021-08-02. Review status: criteria provided, single submitter. Criteria: Ambry Variant Classification Scheme 2023. Collection method: clinical testing. Allele origin: germline.

CeGaT Center for Human Genetics Tuebingen
Classification: Uncertain significance. Last evaluated: 2018-02-28. Review status: criteria provided, single submitter. Criteria: Praxis fuer Humangenetik Tuebingen - Variant Classification Criteria. Collection method: clinical testing. Allele origin: germline. Affected: yes. Observed: 1 variant allele.

Breakthrough Genomics
Classification: Uncertain significance. Review status: criteria provided, single submitter. Criteria: ACMG Guidelines, 2015. Collection method: not provided. Allele origin: germline. Inheritance: Autosomal recessive inheritance. Affected: yes.

NM_001079.4(ZAP70):c.620C>T (p.Thr207Met)

Gene: ZAP70 (zeta chain of T cell receptor associated protein kinase 70; plus strand). Cytogenetic location: 2q11.2.
Variant type: single nucleotide variant.
Coding change: c.620C>T on transcript NM_001079.4 (MANE Select); coding-DNA position 620, C replaced by T.
Protein change: p.Thr207Met; replaces threonine 207 with methionine.
Molecular consequence: missense variant.
Genome position (GRCh38, 1-based): chr2:97,732,939, C>T. VCF-style: chr2-97732939-C-T. GRCh37 (hg19) VCF-style: chr2-98349402-C-T.
Other names: c.620C>T, p.Thr207Met (NM_001378594.1); short protein forms T207M.
Identifiers: ClinVar variation 546868 (VCV000546868.12), dbSNP rs141564129, ClinGen allele CA1790156.